The following is an entry in ClinVar:

NM_004928.3(CFAP410):c.436G>A (p.Glu146Lys)

Gene: CFAP410 (cilia and flagella associated protein 410; minus strand). Cytogenetic location: 21q22.3.
Variant type: single nucleotide variant.
Coding change: c.436G>A on transcript NM_004928.3 (MANE Select); coding-DNA position 436, G replaced by A.
Protein change: p.Glu146Lys; replaces glutamic acid 146 with lysine.
Molecular consequence: missense variant.
Genome position (GRCh38, 1-based): chr21:44,331,952, C>T on the plus strand (G>A on the coding strand, the complement: CFAP410 is on the minus strand). VCF-style: chr21-44331952-C-T. GRCh37 (hg19) VCF-style: chr21-45751835-C-T.
Other names: c.436G>A, p.Glu146Lys (NM_001271440.2, NM_001271441.2); c.313G>A, p.Glu105Lys (NM_001271442.1); short protein forms E105K, E146K.
Identifiers: ClinVar variation 1446342 (VCV001446342.6), dbSNP rs1017595293, ClinGen allele CA410454315.

ClinVar aggregate classification (germline): Uncertain significance (1 of 4 stars; one submission).

gnomAD v4.1: 1 of 1,613,622 alleles (0.000062%); highest among the groups gnomAD compares: Non-Finnish European, 0.000085%; no homozygotes.

Submission:

Labcorp Genetics (formerly Invitae), Labcorp
Classification: Uncertain significance. Last evaluated: 2022-08-16. Review status: criteria provided, single submitter. Criteria: Invitae Variant Classification Sherloc (09022015). Collection method: clinical testing. Allele origin: germline.
Comment: In summary, the available evidence is currently insufficient to determine the role of this variant in disease. Therefore, it has been classified as a Variant of Uncertain Significance. Algorithms developed to predict the effect of missense changes on protein structure and function (SIFT, PolyPhen-2, Align-GVGD) all suggest that this variant is likely to be tolerated. ClinVar contains an entry for this variant (Variation ID: 1446342). This variant has not been reported in the literature in individuals affected with CFAP410-related conditions. This variant is not present in population databases (gnomAD no frequency). This sequence change replaces glutamic acid, which is acidic and polar, with lysine, which is basic and polar, at codon 146 of the CFAP410 protein (p.Glu146Lys).